The following is an entry in ClinVar:

ClinVar aggregate classification (germline): Likely benign (0 of 4 stars; one submission).

Conditions:
KARS1-related disorder. Also called: KARS1-related disorders.

Allele frequency attached by ClinVar (database versions not stated): gnomAD exomes below 0.00001; gnomAD 0.00001; TOPMed 0.00002.
gnomAD v4.1: 4 of 1,611,822 alleles (0.00025%); highest among the groups gnomAD compares: African/African-American, 0.0013%; no homozygotes.

Submission:

PreventionGenetics, part of Exact Sciences
Classification: Likely benign for KARS1-related condition. Last evaluated: 2020-07-01. Review status: no assertion criteria provided. Collection method: clinical testing. Allele origin: germline.
Comment: This variant is classified as likely benign based on ACMG/AMP sequence variant interpretation guidelines (Richards et al. 2015 PMID: 25741868, with internal and published modifications).

NM_005548.3(KARS1):c.1389T>C (p.Cys463=)

Genes: KARS1 (lysyl-tRNA synthetase 1; minus strand), LOC126862402 (CDK7 strongly-dependent group 2 enhancer GRCh37_chr16:75663368-75664567; plus strand). Cytogenetic location: 16q23.1.
Variant type: single nucleotide variant.
Coding change: c.1389T>C on transcript NM_005548.3 (MANE Select); coding-DNA position 1389, T replaced by C.
Protein change: p.Cys463=; no amino-acid change (cysteine 463 retained).
Molecular consequence: synonymous variant.
Genome position (GRCh38, 1-based): chr16:75,630,458, A>G on the plus strand (T>C on the coding strand, the complement: KARS1 is on the minus strand). VCF-style: chr16-75630458-A-G. GRCh37 (hg19) VCF-style: chr16-75664356-A-G.
Other names: c.1473T>C, p.Cys491= (NM_001130089.2); c.921T>C, p.Cys307= (NM_001378148.1).
Identifiers: ClinVar variation 3054075 (VCV003054075.2), dbSNP rs1379738704, ClinGen allele CA496581657.
Genomic context (GRCh38, chr16:75,630,458, plus strand): 5'-CAGCAATAGGTAACTGGAATCTTACCATTTAGCCAAAGGGCTCATTATCTGTGGGTGATC[A>G]CAGATGAATGTAGGATTGATGCAAGTCACTTCCAGGAACTCCCCAACAAGCTTAATGAGA-3'
Protein context (NP_005539.1, residues 453-473): EVTCINPTFI[Cys463=]DHPQIMSPLA